The following is an entry in ClinVar:

NM_005477.3(HCN4):c.2979G>A (p.Thr993=)

Gene: HCN4 (hyperpolarization activated cyclic nucleotide gated potassium channel 4; minus strand). Cytogenetic location: 15q24.1.
Variant type: single nucleotide variant.
Coding change: c.2979G>A on transcript NM_005477.3 (MANE Select); coding-DNA position 2979, G replaced by A.
Protein change: p.Thr993=; no amino-acid change (threonine 993 retained).
Molecular consequence: synonymous variant.
Genome position (GRCh38, 1-based): chr15:73,323,114, C>T on the plus strand (G>A on the coding strand, the complement: HCN4 is on the minus strand). VCF-style: chr15-73323114-C-T. GRCh37 (hg19) VCF-style: chr15-73615455-C-T.
Other names: p.Thr993=.
Identifiers: ClinVar variation 198827 (VCV000198827.23), dbSNP rs75307879, ClinGen allele CA203637.

ClinVar aggregate classification (germline): Benign. Review status: criteria provided, multiple submitters, no conflicts (2 of 4 stars). 8 submissions from 8 submitters: Benign (8). Last evaluated 2026-02-03.

Conditions:
Cardiovascular phenotype. Identifiers: MedGen CN230736.
Brugada syndrome 8 (BRGDA8). Identifiers: Orphanet 130, MedGen C2751083, MONDO:0013148, OMIM 613123.

Allele frequency attached by ClinVar (database versions not stated): gnomAD exomes 0.00224; ExAC 0.00374; gnomAD 0.00796; ESP Exome Variant Server 0.00964; TOPMed 0.01036; 1000 Genomes Project 0.01038; 1000 Genomes Project 30x 0.01187.
gnomAD v4.1: 2,759 of 1,593,880 alleles (0.17%); highest among the groups gnomAD compares: African/African-American, 3.2%; 40 homozygotes.

Submissions (8):

Labcorp Genetics (formerly Invitae), Labcorp
Classification: Benign for Brugada syndrome 8. Last evaluated: 2026-02-03. Review status: criteria provided, single submitter. Criteria: Invitae Variant Classification Sherloc (09022015). Collection method: clinical testing. Allele origin: germline.

Molecular Diagnostic Laboratory for Inherited Cardiovascular Disease, Montreal Heart Institute
Classification: Benign. Last evaluated: 2025-04-09. Review status: criteria provided, single submitter. Criteria: ACMG Guidelines, 2015. Collection method: clinical testing. Allele origin: germline. Affected: no.

ARUP Laboratories, Molecular Genetics and Genomics, ARUP Laboratories
Classification: Benign. Last evaluated: 2025-04-08. Review status: criteria provided, single submitter. Criteria: ARUP Molecular Germline Variant Investigation Process 2024. Collection method: clinical testing. Allele origin: germline.

Mayo Clinic Laboratories, Mayo Clinic
Classification: Benign. Last evaluated: 2024-07-18. Review status: criteria provided, single submitter. Criteria: ACMG Guidelines, 2015. Collection method: clinical testing. Allele origin: germline. Observed: 5 variant alleles.
Comment: BS1, BS2, BP4, BP7

Women's Health and Genetics/Laboratory Corporation of America, LabCorp
Classification: Benign. Last evaluated: 2024-04-08. Review status: criteria provided, single submitter. Criteria: LabCorp Variant Classification Summary - May 2015. Collection method: clinical testing. Allele origin: germline.

Ambry Genetics
Classification: Benign for Cardiovascular phenotype. Last evaluated: 2015-08-04. Review status: criteria provided, single submitter. Criteria: Ambry Variant Classification Scheme 2023. Collection method: clinical testing. Allele origin: germline.

GeneDx
Classification: Benign. Last evaluated: 2015-04-09. Review status: criteria provided, single submitter. Criteria: GeneDx Variant Classification (06012015). Collection method: clinical testing. Allele origin: germline. Affected: yes.
Comment: This variant is considered likely benign or benign based on one or more of the following criteria: it is a conservative change, it occurs at a poorly conserved position in the protein, it is predicted to be benign by multiple in silico algorithms, and/or has population frequency not consistent with disease.

Eurofins Ntd Llc (ga)
Classification: Benign. Last evaluated: 2014-08-06. Review status: criteria provided, single submitter. Criteria: EGL Classification Definitions 2015. Collection method: clinical testing. Allele origin: germline. Observed: 4 variant alleles, 4 heterozygotes.